The following is an entry in ClinVar:

NM_006341.4(MAD2L2):c.159G>A (p.Gln53=)

Gene: MAD2L2 (mitotic arrest deficient 2 like 2; minus strand). Cytogenetic location: 1p36.22.
Variant type: single nucleotide variant.
Coding change: c.159G>A on transcript NM_006341.4 (MANE Select); coding-DNA position 159, G replaced by A.
Protein change: p.Gln53=; no amino-acid change (glutamine 53 retained).
Molecular consequence: synonymous variant.
Genome position (GRCh38, 1-based): chr1:11,680,353, C>T on the plus strand (G>A on the coding strand, the complement: MAD2L2 is on the minus strand). VCF-style: chr1-11680353-C-T. GRCh37 (hg19) VCF-style: chr1-11740410-C-T.
Other names: c.159G>A, p.Gln53= (NM_001127325.2).
Identifiers: ClinVar variation 3015730 (VCV003015730.3), dbSNP rs765974447, ClinGen allele CA17966342.

ClinVar aggregate classification (germline): Uncertain significance (1 of 4 stars; one submission).

Allele frequency attached by ClinVar (database versions not stated): gnomAD 0.00001; gnomAD exomes 0.00002; TOPMed 0.00002.

Submission:

Labcorp Genetics (formerly Invitae), Labcorp
Classification: Uncertain significance. Last evaluated: 2024-05-01. Review status: criteria provided, single submitter. Criteria: Invitae Variant Classification Sherloc (09022015). Collection method: clinical testing. Allele origin: germline.
Comment: This sequence change affects codon 53 of the MAD2L2 mRNA. It is a 'silent' change, meaning that it does not change the encoded amino acid sequence of the MAD2L2 protein. This variant also falls at the last nucleotide of exon 3, which is part of the consensus splice site for this exon. This variant is present in population databases (rs765974447, gnomAD 0.002%). This variant has not been reported in the literature in individuals affected with MAD2L2-related conditions. Variants that disrupt the consensus splice site are a relatively common cause of aberrant splicing (PMID: 17576681, 9536098). Algorithms developed to predict the effect of sequence changes on RNA splicing suggest that this variant may disrupt the consensus splice site. In summary, the available evidence is currently insufficient to determine the role of this variant in disease. Therefore, it has been classified as a Variant of Uncertain Significance.

Literature cited by the submitters: PubMed 17576681; PubMed 9536098.